The following is an entry in ClinVar:

NM_133497.4(KCNV2):c.1191G>T (p.Leu397=)

Gene: KCNV2 (potassium voltage-gated channel modifier subfamily V member 2; plus strand). Cytogenetic location: 9p24.2.
Variant type: single nucleotide variant.
Coding change: c.1191G>T on transcript NM_133497.4 (MANE Select); coding-DNA position 1191, G replaced by T.
Protein change: p.Leu397=; no amino-acid change (leucine 397 retained).
Molecular consequence: synonymous variant.
Genome position (GRCh38, 1-based): chr9:2,718,930, G>T. VCF-style: chr9-2718930-G-T. GRCh37 (hg19) VCF-style: chr9-2718930-G-T.
Other names: c.1191G>T (NM_133497.3).
Identifiers: ClinVar variation 1154625 (VCV001154625.11), dbSNP rs367972852, ClinGen allele CA4965813.
Genomic context (GRCh38, chr9:2,718,930, plus strand): 5'-CGTCATGCGCCTCATGCGCATCTTCCGCATCCTCAAGCTGGCGCGCCACTCCACCGGACT[G>T]CGTGCCTTCGGCTTCACGCTGCGCCAGTGCTACCAGCAGGTGGGCTGCCTGCTGCTCTTC-3'
Protein context (NP_598004.1, residues 387-407): ILKLARHSTG[Leu397=]RAFGFTLRQC

ClinVar aggregate classification (germline): Likely benign. Review status: criteria provided, multiple submitters, no conflicts (2 of 4 stars). 3 submissions from 3 submitters: Likely benign (3). Last evaluated 2026-01-14.

Conditions:
KCNV2-related disorder. Also called: KCNV2-related condition.

Allele frequency attached by ClinVar (database versions not stated): ExAC 0.00002; gnomAD exomes 0.00003; TOPMed 0.00013; gnomAD 0.00014 and 0.00015.
gnomAD v4.1: 54 of 1,609,354 alleles (0.0034%); highest among the groups gnomAD compares: African/African-American, 0.061%; no homozygotes.

Submissions (3):

PreventionGenetics, part of Exact Sciences
Classification: Likely benign for KCNV2-related condition. Last evaluated: 2026-01-14. Review status: criteria provided, single submitter. Criteria: ACMG Guidelines, 2015. Collection method: clinical testing. Allele origin: germline.
Comment: This variant is classified as likely benign based on ACMG/AMP sequence variant interpretation guidelines (Richards et al. 2015 PMID: 25741868, with internal and published modifications).

Labcorp Genetics (formerly Invitae), Labcorp
Classification: Likely benign. Last evaluated: 2025-05-02. Review status: criteria provided, single submitter. Criteria: Invitae Variant Classification Sherloc (09022015). Collection method: clinical testing. Allele origin: germline.

Blueprint Genetics
Classification: Likely benign. Last evaluated: 2024-11-14. Review status: criteria provided, single submitter. Criteria: ACMG Guidelines, 2015. Collection method: clinical testing. Allele origin: germline.